The following is an entry in ClinVar:

NM_000388.4(CASR):c.1733-21_1734del

Gene: CASR (calcium sensing receptor; plus strand). Cytogenetic location: 3q21.1.
Variant type: Deletion.
Coding change: c.1733-21_1734del on transcript NM_000388.4 (MANE Select); 21 bases into the intron before coding-DNA position 1733 through coding-DNA position 1734, 23 bases deleted (CTTCACTGGGACATTTTACAGAT).
Molecular consequence: splice acceptor variant.
Genome position (GRCh38, 1-based): chr3:122,283,666-122,283,688, CTTCACTGGGACATTTTACAGAT deleted; deleting any 23 consecutive bases within chr3:122,283,665-122,283,688 gives the same sequence; the c. name uses the placement nearest the transcript's 3' end. VCF-style (leftmost placement, unchanged base first): chr3-122283664-CTCTTCACTGGGACATTTTACAGA-C. GRCh37 (hg19) VCF-style: chr3-122002511-CTCTTCACTGGGACATTTTACAGA-C.
Other names: c.1763-21_1764del (NM_001178065.2).
Identifiers: ClinVar variation 4785261 (VCV004785261.1).

ClinVar aggregate classification (germline): Likely pathogenic (1 of 4 stars; one submission).

Conditions:
Autosomal dominant hypocalcemia 1 (HYPOC1). Also called: HYPOCALCEMIA, FAMILIAL. Identifiers: MedGen C3715128, MONDO:0011013, OMIM 601198.
Familial hypocalciuric hypercalcemia (FHH). Also called: Familial benign hypercalcemia. Identifiers: Orphanet 405, MedGen C1809471, MONDO:0018458.

Submission:

Labcorp Genetics (formerly Invitae), Labcorp
Classification: Likely pathogenic for Familial hypocalciuric hypercalcemia; Autosomal dominant hypocalcemia 1. Last evaluated: 2025-06-11. Review status: criteria provided, single submitter. Criteria: Invitae Variant Classification Sherloc (09022015). Collection method: clinical testing. Allele origin: germline.
Comment: This variant results in the deletion of part of exon 7 (c.1733-21_1734del) of the CASR gene. It is expected to disrupt RNA splicing. Variants that disrupt the donor or acceptor splice site typically lead to a loss of protein function (PMID: 16199547), and loss-of-function variants in CASR are known to be pathogenic (PMID: 11807402, 14985373, 22422767). This variant is not present in population databases (gnomAD no frequency). This variant has not been reported in the literature in individuals affected with CASR-related conditions. In summary, the currently available evidence indicates that the variant is pathogenic, but additional data are needed to prove that conclusively. Therefore, this variant has been classified as Likely Pathogenic.

Literature cited by the submitters: PubMed 16199547; PubMed 11807402; PubMed 14985373; PubMed 22422767.